The following is an entry in ClinVar:

NM_015272.5(RPGRIP1L):c.1286_1289dup (p.Gln430fs)

Gene: RPGRIP1L (RPGRIP1 like; minus strand). Cytogenetic location: 16q12.2.
Variant type: Duplication.
Coding change: c.1286_1289dup on transcript NM_015272.5 (MANE Select); coding-DNA positions 1286 to 1289, 4 bases duplicated (TACA; older notation c.1286_1289dupTACA).
Protein change: p.Gln430fs; shifts the reading frame from glutamine 430.
Molecular consequence: frameshift variant.
Genome position (GRCh38, 1-based): chr16:53,658,833-53,658,836, TGTA duplicated on the plus strand (TACA on the coding strand, the reverse complement: RPGRIP1L is on the minus strand). VCF-style (leftmost placement, unchanged base first): chr16-53658832-C-CTGTA. GRCh37 (hg19) VCF-style: chr16-53692744-C-CTGTA.
Other names: c.1286_1289dup, p.Gln430fs (NM_001127897.4, NM_001308334.3, NM_001330538.2); c.1286_1289dup (NM_015272.4); short protein forms Q430fs.
Identifiers: ClinVar variation 3580861 (VCV003580861.2).

ClinVar aggregate classification (germline): Likely pathogenic. Review status: criteria provided, multiple submitters, no conflicts (2 of 4 stars). 2 submissions from 2 submitters: Likely pathogenic (2). Last evaluated 2025-06-23.

Conditions:
Meckel syndrome, type 5 (MKS5). Identifiers: Orphanet 564, MedGen C1969052, MONDO:0012695, OMIM 611561.
COACH syndrome 3. Identifiers: MedGen C5436841, MONDO:0030862, OMIM 619113.
Joubert syndrome 7 (JBTS7). Identifiers: Orphanet 220497, MedGen C1969053, MONDO:0012694, OMIM 611560.
Joubert syndrome. Also called: CEREBELLOPARENCHYMAL DISORDER IV; JOUBERT-BOLTSHAUSER SYNDROME; Familial aplasia of the vermis. Identifiers: Orphanet 475, MedGen C5979921, MONDO:0018772.

Submissions (2):

Natera, Inc.
Classification: Likely pathogenic for Joubert syndrome. Last evaluated: 2025-06-23. Review status: criteria provided, single submitter. Criteria: Natera Variant Classification Schema (03/2026). Collection method: clinical testing. Allele origin: germline.
Comment: The c.1286_1289dup variant in RPGRIP1L is a frameshift variant predicted to shift the reading frame beginning at codon 430 and leads to a stop codon 11 codons downstream. This variant is expected to result in nonsense mediated decay, truncation, or a dysfunctional protein product. This variant is rare in the general population with a frequency below the threshold expected for the associated phenotype(s). Given the available evidence, this variant is classified as Likely Pathogenic.

Fulgent Genetics
Classification: Likely pathogenic for Joubert syndrome 7; Meckel syndrome, type 5; COACH syndrome 3. Last evaluated: 2024-05-08. Review status: criteria provided, single submitter. Criteria: ACMG Guidelines, 2015. Collection method: clinical testing. Allele origin: germline.